The following is an entry in ClinVar:

NM_025114.4(CEP290):c.4844C>G (p.Pro1615Arg)

Gene: CEP290 (centrosomal protein 290; minus strand). Cytogenetic location: 12q21.32.
Variant type: single nucleotide variant.
Coding change: c.4844C>G on transcript NM_025114.4 (MANE Select); coding-DNA position 4844, C replaced by G.
Protein change: p.Pro1615Arg; replaces proline 1615 with arginine.
Molecular consequence: missense variant.
Genome position (GRCh38, 1-based): chr12:88,083,199, G>C on the plus strand (C>G on the coding strand, the complement: CEP290 is on the minus strand). VCF-style: chr12-88083199-G-C. GRCh37 (hg19) VCF-style: chr12-88476976-G-C.
Other names: short protein forms P1615R.
Identifiers: ClinVar variation 2940235 (VCV002940235.2), dbSNP rs2499960916, ClinGen allele CA385993016.

ClinVar aggregate classification (germline): Uncertain significance (1 of 4 stars; one submission).

Conditions:
Joubert syndrome. Also called: CEREBELLOPARENCHYMAL DISORDER IV; JOUBERT-BOLTSHAUSER SYNDROME; Familial aplasia of the vermis. Identifiers: Orphanet 475, MedGen C5979921, MONDO:0018772.
Nephronophthisis. Also called: Juvenile Nephronophthisis. Identifiers: Orphanet 655, MedGen C0687120, MONDO:0019005, HP:0000090.
Meckel-Gruber syndrome. Also called: DYSENCEPHALIA SPLANCHNOCYSTICA; GRUBER SYNDROME; Dysencephalia splachnocystica. Identifiers: Orphanet 564, MedGen C0265215, MONDO:0018921.

gnomAD v4.1: 2 of 1,510,988 alleles (0.00013%); highest among the groups gnomAD compares: Non-Finnish European, 0.00018%; no homozygotes.

Submission:

Labcorp Genetics (formerly Invitae), Labcorp
Classification: Uncertain significance for Joubert syndrome; Meckel-Gruber syndrome; Nephronophthisis. Last evaluated: 2025-06-02. Review status: criteria provided, single submitter. Criteria: Invitae Variant Classification Sherloc (09022015). Collection method: clinical testing. Allele origin: germline.
Comment: This sequence change replaces proline, which is neutral and non-polar, with arginine, which is basic and polar, at codon 1615 of the CEP290 protein (p.Pro1615Arg). This variant is not present in population databases (gnomAD no frequency). This variant has not been reported in the literature in individuals affected with CEP290-related conditions. ClinVar contains an entry for this variant (Variation ID: 2940235). Invitae Evidence Modeling of protein sequence and biophysical properties (such as structural, functional, and spatial information, amino acid conservation, physicochemical variation, residue mobility, and thermodynamic stability) indicates that this missense variant is expected to disrupt CEP290 protein function with a positive predictive value of 80%. In summary, the available evidence is currently insufficient to determine the role of this variant in disease. Therefore, it has been classified as a Variant of Uncertain Significance.